The following is an entry in ClinVar:

ClinVar aggregate classification (germline): Uncertain significance (0 of 4 stars; one submission).

Conditions:
CREBBP-related disorder. Also called: CREBBP-related condition; CREBBP-related disorders.

Submission:

PreventionGenetics, part of Exact Sciences
Classification: Uncertain significance for CREBBP-related condition. Last evaluated: 2024-09-03. Review status: no assertion criteria provided. Collection method: clinical testing. Allele origin: germline.
Comment: The CREBBP c.6348G>C variant is predicted to result in the amino acid substitution p.Gln2116His. To our knowledge, this variant has not been reported in the literature or in a large population database, indicating this variant is rare. At this time, the clinical significance of this variant is uncertain due to the absence of conclusive functional and genetic evidence.

NM_004380.3(CREBBP):c.6348G>C (p.Gln2116His)

Gene: CREBBP (CREB binding lysine acetyltransferase; minus strand). Cytogenetic location: 16p13.3.
Variant type: single nucleotide variant.
Coding change: c.6348G>C on transcript NM_004380.3 (MANE Select); coding-DNA position 6348, G replaced by C.
Protein change: p.Gln2116His; replaces glutamine 2116 with histidine.
Molecular consequence: missense variant.
Genome position (GRCh38, 1-based): chr16:3,728,699, C>G on the plus strand (G>C on the coding strand, the complement: CREBBP is on the minus strand). VCF-style: chr16-3728699-C-G. GRCh37 (hg19) VCF-style: chr16-3778700-C-G.
Other names: c.6234G>C, p.Gln2078His (NM_001079846.1); short protein forms Q2078H, Q2116H.
Identifiers: ClinVar variation 3355183 (VCV003355183.1).